The following is an entry in ClinVar:

ClinVar aggregate classification (germline): Uncertain significance (1 of 4 stars; one submission).

Conditions:
Cardiovascular phenotype. Identifiers: MedGen CN230736.

Allele frequency attached by ClinVar (database versions not stated): ExAC 0.00001; gnomAD 0.00001; gnomAD exomes 0.00001; TOPMed 0.00002.
gnomAD v4.1: 17 of 1,612,730 alleles (0.0011%); highest among the groups gnomAD compares: Admixed American, 0.005%; no homozygotes.

Submission:

Ambry Genetics
Classification: Uncertain significance for Cardiovascular phenotype. Last evaluated: 2023-06-29. Review status: criteria provided, single submitter. Criteria: Ambry Variant Classification Scheme 2023. Collection method: clinical testing. Allele origin: germline.
Comment: The p.S2748F variant (also known as c.8243C>T), located in coding exon 23 of the TNXB gene, results from a C to T substitution at nucleotide position 8243. The serine at codon 2748 is replaced by phenylalanine, an amino acid with highly dissimilar properties. This amino acid position is conserved. In addition, this alteration is predicted to be tolerated by in silico analysis. Since supporting evidence is limited at this time, the clinical significance of this alteration remains unclear.

NM_001365276.2(TNXB):c.8243C>T (p.Ser2748Phe)

Gene: TNXB (tenascin XB; minus strand). Cytogenetic location: 6p21.33.
Variant type: single nucleotide variant.
Coding change: c.8243C>T on transcript NM_001365276.2 (MANE Select); coding-DNA position 8243, C replaced by T.
Protein change: p.Ser2748Phe; replaces serine 2748 with phenylalanine.
Molecular consequence: missense variant.
Genome position (GRCh38, 1-based): chr6:32,056,075, G>A on the plus strand (C>T on the coding strand, the complement: TNXB is on the minus strand). VCF-style: chr6-32056075-G-A. GRCh37 (hg19) VCF-style: chr6-32023852-G-A.
Other names: c.8243C>T, p.Ser2748Phe (NM_019105.8); short protein forms S2748F.
Identifiers: ClinVar variation 2624725 (VCV002624725.2), dbSNP rs760681566, ClinGen allele CA3733911.
Genomic context (GRCh38, chr6:32,056,075, plus strand): 5'-ACGGTGAAGGAGTCGAAGTGGCCCTGGGGGATGGTCCAGGAGAGGCTCAGCGAGTCAGGG[G>A]AGGATCCTGTCACTGTCAGCTCCCCCAGGAGCGGCTCCTCAGGGGGCTCCGGGGCCTCAG-3'
Protein context (NP_001352205.1, residues 2738-2758): LLGELTVTGS[Ser2748Phe]PDSLSLSWTI